The following is an entry in ClinVar:

NC_000001.10:g.(?_119964988)_(119988456_?)del

Gene: HSD3B2 (hydroxy-delta-5-steroid dehydrogenase, 3 beta- and steroid delta-isomerase 2; plus strand). Cytogenetic location: 1p12.
Variant type: Deletion.
Identifiers: ClinVar variation 1459401 (VCV001459401.6).

ClinVar aggregate classification (germline): Pathogenic (1 of 4 stars; one submission).

Submission:

Labcorp Genetics (formerly Invitae), Labcorp
Classification: Pathogenic. Last evaluated: 2021-02-08. Review status: criteria provided, single submitter. Criteria: Invitae Variant Classification Sherloc (09022015). Collection method: clinical testing. Allele origin: germline.
Comment: For these reasons, this variant has been classified as Pathogenic. This variant disrupts the C-terminus of the HSD3B2 protein. Other variant(s) that disrupt this region (p.Gln334*) have been determined to be pathogenic (PMID: 22343390, 28870780). This suggests that variants that disrupt this region of the protein are likely to be causative of disease. This variant has not been reported in the literature in individuals with HSD3B2-related conditions. This variant results in the deletion of part of exon (c.893_*23242del) of the HSD3B2 gene. While this deletion is not anticipated to lead to nonsense mediated decay, it is expected to alter mRNA translation or result in a truncated protein product.

Literature cited by the submitters: PubMed 22343390; PubMed 28870780.